The following is an entry in ClinVar:

ClinVar aggregate classification (germline): Conflicting classifications of pathogenicity. Review status: criteria provided, conflicting classifications (1 of 4 stars). 3 submissions from 3 submitters: Uncertain significance (2); Likely benign (1). Last evaluated 2025-10-01.

Conditions:
Inborn genetic diseases. Identifiers: MedGen C0950123, MeSH D030342.

Allele frequency attached by ClinVar (database versions not stated): gnomAD 0.00029 and 0.00025; ESP Exome Variant Server 0.00031; ExAC 0.00008; gnomAD exomes 0.00009 and 0.00007; 1000 Genomes Project 0.00020; TOPMed 0.00043; 1000 Genomes Project 30x 0.00016.
gnomAD v4.1: 140 of 1,613,582 alleles (0.0087%); highest among the groups gnomAD compares: African/African-American, 0.11%; no homozygotes.

Submissions (3):

Ambry Genetics
Classification: Uncertain significance for Inborn genetic diseases. Last evaluated: 2025-10-01. Review status: criteria provided, single submitter. Criteria: Ambry Variant Classification Scheme 2023. Collection method: clinical testing. Allele origin: germline.

Labcorp Genetics (formerly Invitae), Labcorp
Classification: Uncertain significance. Last evaluated: 2023-12-06. Review status: criteria provided, single submitter. Criteria: Invitae Variant Classification Sherloc (09022015). Collection method: clinical testing. Allele origin: germline.
Comment: This sequence change replaces arginine, which is basic and polar, with histidine, which is basic and polar, at codon 704 of the TPRN protein (p.Arg704His). This variant is present in population databases (rs150844105, gnomAD 0.09%). This variant has not been reported in the literature in individuals affected with TPRN-related conditions. ClinVar contains an entry for this variant (Variation ID: 1195124). Advanced modeling of protein sequence and biophysical properties (such as structural, functional, and spatial information, amino acid conservation, physicochemical variation, residue mobility, and thermodynamic stability) has been performed at Invitae for this missense variant, however the output from this modeling did not meet the statistical confidence thresholds required to predict the impact of this variant on TPRN protein function. In summary, the available evidence is currently insufficient to determine the role of this variant in disease. Therefore, it has been classified as a Variant of Uncertain Significance.

GeneDx
Classification: Likely benign. Last evaluated: 2021-02-26. Review status: criteria provided, single submitter. Criteria: GeneDx Variant Classification Process June 2021. Collection method: clinical testing. Allele origin: germline. Affected: yes.

NM_001128228.3(TPRN):c.2111G>A (p.Arg704His)

Gene: TPRN (taperin; minus strand). Cytogenetic location: 9q34.3.
Variant type: single nucleotide variant.
Coding change: c.2111G>A on transcript NM_001128228.3 (MANE Select); coding-DNA position 2111, G replaced by A.
Protein change: p.Arg704His; replaces arginine 704 with histidine.
Molecular consequence: missense variant.
Genome position (GRCh38, 1-based): chr9:137,192,137, C>T on the plus strand (G>A on the coding strand, the complement: TPRN is on the minus strand). VCF-style: chr9-137192137-C-T. GRCh37 (hg19) VCF-style: chr9-140086589-C-T.
Other names: short protein forms R704H.
Identifiers: ClinVar variation 1195124 (VCV001195124.8), dbSNP rs150844105, ClinGen allele CA5362496.